The following is an entry in ClinVar:

NM_004807.3(HS6ST1):c.1125C>T (p.Arg375=)

Gene: HS6ST1 (heparan sulfate 6-O-sulfotransferase 1; minus strand). Cytogenetic location: 2q14.3.
Variant type: single nucleotide variant.
Coding change: c.1125C>T on transcript NM_004807.3 (MANE Select); coding-DNA position 1125, C replaced by T.
Protein change: p.Arg375=; no amino-acid change (arginine 375 retained).
Molecular consequence: synonymous variant.
Genome position (GRCh38, 1-based): chr2:128,268,273, G>A on the plus strand (C>T on the coding strand, the complement: HS6ST1 is on the minus strand). VCF-style: chr2-128268273-G-A. GRCh37 (hg19) VCF-style: chr2-129025847-G-A.
Identifiers: ClinVar variation 2173158 (VCV002173158.9), dbSNP rs202155445, ClinGen allele CA1867471.

ClinVar aggregate classification (germline): Likely benign. Review status: criteria provided, multiple submitters, no conflicts (2 of 4 stars). 2 submissions from 2 submitters: Likely benign (2). Last evaluated 2025-12-01.

Allele frequency attached by ClinVar (database versions not stated): ExAC 0.00006; TOPMed 0.00007; ESP Exome Variant Server 0.00008; gnomAD 0.00011; gnomAD exomes 0.00011; 1000 Genomes Project 30x 0.00016; 1000 Genomes Project 0.00020.
gnomAD v4.1: 181 of 1,612,334 alleles (0.011%); highest among the groups gnomAD compares: African/African-American, 0.019%; no homozygotes.

Submissions (2):

CeGaT Center for Human Genetics Tuebingen
Classification: Likely benign. Last evaluated: 2025-12-01. Review status: criteria provided, single submitter. Criteria: CeGaT Center For Human Genetics Tuebingen Variant Classification Criteria Version 2. Collection method: clinical testing. Allele origin: germline. Affected: yes. Observed: 1 variant allele.
Comment: HS6ST1: BP4, BP7

Labcorp Genetics (formerly Invitae), Labcorp
Classification: Likely benign. Last evaluated: 2025-07-31. Review status: criteria provided, single submitter. Criteria: Invitae Variant Classification Sherloc (09022015). Collection method: clinical testing. Allele origin: germline.